The following is an entry in ClinVar:

ClinVar aggregate classification (germline): Likely benign (0 of 4 stars; one submission).

Conditions:
DNM1-related disorder. Also called: DNM1-related condition.

Submission:

PreventionGenetics, part of Exact Sciences
Classification: Likely benign for DNM1-related condition. Last evaluated: 2019-07-31. Review status: no assertion criteria provided. Collection method: clinical testing. Allele origin: germline.
Comment: This variant is classified as likely benign based on ACMG/AMP sequence variant interpretation guidelines (Richards et al. 2015 PMID: 25741868, with internal and published modifications).

NM_004408.4(DNM1):c.2535-1522G>A

Gene: DNM1 (dynamin 1; plus strand). Cytogenetic location: 9q34.11.
Variant type: single nucleotide variant.
Coding change: c.2535-1522G>A on transcript NM_004408.4 (MANE Select); 1522 bases into the intron before coding-DNA position 2535, G replaced by A.
Molecular consequence: intron variant. On other transcripts: 3 prime UTR variant (3).
Genome position (GRCh38, 1-based): chr9:128,253,132, G>A. VCF-style: chr9-128253132-G-A. GRCh37 (hg19) VCF-style: chr9-131015411-G-A.
Other names: c.*10G>A (NM_001005336.3, NM_001288737.2, NM_001288738.2); c.2535-877G>A (NM_001374269.1); c.2535-1522G>A (NM_001288739.2).
Identifiers: ClinVar variation 3034610 (VCV003034610.2), dbSNP rs867009424, ClinGen allele CA200324655.